The following is an entry in ClinVar:

NM_004360.5(CDH1):c.2589C>A (p.Asn863Lys)

Gene: CDH1 (cadherin 1; plus strand). Cytogenetic location: 16q22.1.
Variant type: single nucleotide variant.
Coding change: c.2589C>A on transcript NM_004360.5 (MANE Select); coding-DNA position 2589, C replaced by A.
Protein change: p.Asn863Lys; replaces asparagine 863 with lysine.
Molecular consequence: missense variant.
Genome position (GRCh38, 1-based): chr16:68,833,439, C>A. VCF-style: chr16-68833439-C-A. GRCh37 (hg19) VCF-style: chr16-68867342-C-A.
Other names: c.2589C>A (LRG_301t1); c.2406C>A, p.Asn802Lys (NM_001317184.2); c.1041C>A, p.Asn347Lys (NM_001317185.2); c.624C>A, p.Asn208Lys (NM_001317186.2); short protein forms N863K, N802K, N347K, N208K.
Identifiers: ClinVar variation 234644 (VCV000234644.12), dbSNP rs115817750, ClinGen allele CA10577554.

ClinVar aggregate classification (germline): Uncertain significance. Review status: criteria provided, multiple submitters, no conflicts (2 of 4 stars). 3 submissions from 3 submitters: Uncertain significance (3). Last evaluated 2021-05-16.

Conditions:
Hereditary cancer-predisposing syndrome. Also called: Tumor predisposition; Hereditary Cancer Syndrome; Hereditary neoplastic syndrome; Neoplastic Syndromes, Hereditary. Identifiers: Orphanet 140162, MedGen C0027672, MeSH D009386, MONDO:0015356.
Hereditary diffuse gastric adenocarcinoma (HDGC). Also called: DIFFUSE GASTRIC AND LOBULAR BREAST CANCER SYNDROME. Identifiers: Orphanet 26106, MedGen C1708349, MONDO:0007648, OMIM 137215.

Submissions (3):

Labcorp Genetics (formerly Invitae), Labcorp
Classification: Uncertain significance for Hereditary diffuse gastric adenocarcinoma. Last evaluated: 2021-05-16. Review status: criteria provided, single submitter. Criteria: Invitae Variant Classification Sherloc (09022015). Collection method: clinical testing. Allele origin: germline.
Comment: Algorithms developed to predict the effect of missense changes on protein structure and function do not agree on the potential impact of this missense change (SIFT: "Deleterious"; PolyPhen-2: "Benign"; Align-GVGD: "Class C0"). In summary, the available evidence is currently insufficient to determine the role of this variant in disease. Therefore, it has been classified as a Variant of Uncertain Significance. This variant has not been reported in the literature in individuals with CDH1-related disease. ClinVar contains an entry for this variant (Variation ID: 234644). This variant is not present in population databases (ExAC no frequency). This sequence change replaces asparagine with lysine at codon 863 of the CDH1 protein (p.Asn863Lys). The asparagine residue is highly conserved and there is a moderate physicochemical difference between asparagine and lysine.

Ambry Genetics
Classification: Uncertain significance for Hereditary cancer-predisposing syndrome. Last evaluated: 2019-10-31. Review status: criteria provided, single submitter. Criteria: Ambry Variant Classification Scheme 2023. Collection method: clinical testing. Allele origin: germline.
Comment: The p.N863K variant (also known as c.2589C>A), located in coding exon 16 of the CDH1 gene, results from a C to A substitution at nucleotide position 2589. The asparagine at codon 863 is replaced by lysine, an amino acid with similar properties. This amino acid position is highly conserved in available vertebrate species. In addition, this alteration is predicted to be tolerated by in silico analysis. Since supporting evidence is limited at this time, the clinical significance of this alteration remains unclear.

GeneDx
Classification: Uncertain significance. Last evaluated: 2015-11-25. Review status: criteria provided, single submitter. Criteria: GeneDx Variant Classification (06012015). Collection method: clinical testing. Allele origin: germline. Affected: yes.
Comment: This variant is denoted CDH1 c.2589C>A at the cDNA level, p.Asn863Lys (N863K) at the protein level, and results in the change of an Asparagine to a Lysine (AAC>AAA). This variant has not, to our knowledge, been published in the literature as pathogenic or benign. CDH1 Asn863Lys was not observed in approximately 6,500 individuals of European and African American ancestry in the NHLBI Exome Sequencing Project, suggesting it is not a common benign variant in these populations. Since Asparagine and Lysine differ in some properties, this is considered a semi-conservative amino acid substitution. CDH1 Asn863Lys occurs at a position where amino acids with properties similar to Asparagine are tolerated across species, and is located within the Cytoplasmic Domain and within the region required for binding alpha, beta and gamma catenins (Brooks-Wilson 2004, Figueiredo 2013). In silico analyses predict that this variant is probably damaging to protein structure and function. Based on currently available evidence, it is unclear whether CDH1 Asn863Lys is a pathogenic or benign variant. We consider it to be a variant of uncertain significance.